The following is an entry in ClinVar:

ClinVar aggregate classification (germline): Uncertain significance (1 of 4 stars; one submission).

Conditions:
PLS1-related disorder. Also called: PLS1-related condition.

gnomAD v4.1: 42 of 1,604,848 alleles (0.0026%); highest among the groups gnomAD compares: Admixed American, 0.036%; no homozygotes.

Submission:

PreventionGenetics, part of Exact Sciences
Classification: Uncertain significance for PLS1-related condition. Last evaluated: 2025-06-17. Review status: criteria provided, single submitter. Criteria: ACMG Guidelines, 2015. Collection method: clinical testing. Allele origin: germline.
Comment: The PLS1 c.1001G>A variant is predicted to result in the amino acid substitution p.Arg334His. To our knowledge, this variant has not been reported in the literature. This variant is reported in 0.039% of alleles in individuals of Latino descent in gnomAD, which may be too common to be a primary cause of disease. Although we suspect this variant may be benign, at this time, the clinical significance of this variant is uncertain due to the absence of conclusive functional and genetic evidence.

NM_001145319.2(PLS1):c.1001G>A (p.Arg334His)

Gene: PLS1 (plastin 1; plus strand). Cytogenetic location: 3q23.
Variant type: single nucleotide variant.
Coding change: c.1001G>A on transcript NM_001145319.2 (MANE Select); coding-DNA position 1001, G replaced by A.
Protein change: p.Arg334His; replaces arginine 334 with histidine.
Molecular consequence: missense variant.
Genome position (GRCh38, 1-based): chr3:142,689,637, G>A. VCF-style: chr3-142689637-G-A. GRCh37 (hg19) VCF-style: chr3-142408479-G-A.
Other names: c.1001G>A, p.Arg334His (NM_001172312.2, NM_002670.3); short protein forms R334H.
Identifiers: ClinVar variation 4999088 (VCV004999088.1).
Genomic context (GRCh38, chr3:142,689,637, plus strand): 5'-ATTAAAACTTCAATTGTAACCATTTTTGTTTTATTGTTTAGGAGACAAATGACCTGAAGC[G>A]TGCTGGACTCATGCTTCAAGAAGCAGATAAACTGGGCTGCAAACAGTTTGTTACTCCTGC-3'
Protein context (NP_001138791.1, residues 324-344): SGINETNDLK[Arg334His]AGLMLQEADK